The following is an entry in ClinVar:

NM_001172509.2(SATB2):c.8G>C (p.Arg3Pro)

Gene: SATB2 (SATB homeobox 2; minus strand). Cytogenetic location: 2q33.1.
Variant type: single nucleotide variant.
Coding change: c.8G>C on transcript NM_001172509.2 (MANE Select); coding-DNA position 8, G replaced by C.
Protein change: p.Arg3Pro; replaces arginine 3 with proline.
Molecular consequence: missense variant. On other transcripts: non-coding transcript variant (1).
Genome position (GRCh38, 1-based): chr2:199,456,030, C>G on the plus strand (G>C on the coding strand, the complement: SATB2 is on the minus strand). VCF-style: chr2-199456030-C-G. GRCh37 (hg19) VCF-style: chr2-200320753-C-G.
Other names: c.8G>C, p.Arg3Pro (NM_001172517.1, NM_015265.4); short protein forms R3P.
Identifiers: ClinVar variation 2838014 (VCV002838014.3), dbSNP rs2469070040, ClinGen allele CA350388686.

ClinVar aggregate classification (germline): Uncertain significance (1 of 4 stars; one submission).

Conditions:
Chromosome 2q32-q33 deletion syndrome (GLASS). Also called: Glass syndrome; 2q33.1 deletion syndrome. Identifiers: Orphanet 251019, MedGen C2676739, MONDO:0012864, OMIM 612313.

Submission:

Labcorp Genetics (formerly Invitae), Labcorp
Classification: Uncertain significance for Chromosome 2q32-q33 deletion syndrome. Last evaluated: 2023-02-16. Review status: criteria provided, single submitter. Criteria: Invitae Variant Classification Sherloc (09022015). Collection method: clinical testing. Allele origin: germline.
Comment: This sequence change replaces arginine, which is basic and polar, with proline, which is neutral and non-polar, at codon 3 of the SATB2 protein (p.Arg3Pro). This variant is not present in population databases (gnomAD no frequency). This variant has not been reported in the literature in individuals affected with SATB2-related conditions. Advanced modeling of protein sequence and biophysical properties (such as structural, functional, and spatial information, amino acid conservation, physicochemical variation, residue mobility, and thermodynamic stability) has been performed at Invitae for this missense variant, however the output from this modeling did not meet the statistical confidence thresholds required to predict the impact of this variant on SATB2 protein function. In summary, the available evidence is currently insufficient to determine the role of this variant in disease. Therefore, it has been classified as a Variant of Uncertain Significance.